The following is an entry in ClinVar:

ClinVar aggregate classification (germline): Conflicting classifications of pathogenicity. Review status: criteria provided, conflicting classifications (1 of 4 stars). 22 submissions from 20 submitters: Uncertain significance (2); Benign (6); Likely benign (7). 7 of the submissions do not count toward it. Last evaluated 2026-02-03.

Conditions:
Dyskeratosis congenita, autosomal dominant 2. Identifiers: MedGen C3151443, MONDO:0013521, OMIM 613989.
Idiopathic Pulmonary Fibrosis. Also called: Idiopathic fibrosing alveolitis, chronic form; idiopathic fibrosing alveolitis. Identifiers: Orphanet 2032, MedGen C1800706, MeSH D054990, MONDO:0800504.
Pulmonary fibrosis and/or bone marrow failure, Telomere-related, 1. Also called: PULMONARY FIBROSIS AND/OR BONE MARROW FAILURE SYNDROME, TELOMERE-RELATED, 1. Identifiers: Orphanet 88, MedGen C3553617, MONDO:0013878, OMIM 614742.
Leukemia, acute myeloid, susceptibility to. Identifiers: MedGen C3275959, MONDO:0100173.
Dyskeratosis congenita. Identifiers: Orphanet 1775, MedGen C0265965, MONDO:0015780.
Aplastic anemia. Identifiers: Orphanet 182040, Orphanet 88, MedGen C0002874, MONDO:0015909, OMIM 609135, HP:0001915.
Breast carcinoma. Also called: Carcinoma of breast. Identifiers: MedGen C0678222, MONDO:0004989, HP:0003002.

Allele frequency attached by ClinVar (database versions not stated): 1000 Genomes Project 30x 0.00468; 1000 Genomes Project 0.00519; gnomAD exomes 0.01238 and 0.02024; TOPMed 0.01264; gnomAD 0.01334 and 0.01370; ExAC 0.01335; ESP Exome Variant Server 0.01587.
gnomAD v4.1: 31,441 of 1,612,636 alleles (1.9%); highest among the groups gnomAD compares: Non-Finnish European, 2.4%; 363 homozygotes.

Submissions (22):

Labcorp Genetics (formerly Invitae), Labcorp
Classification: Benign for Dyskeratosis congenita, autosomal dominant 2; Idiopathic Pulmonary Fibrosis. Last evaluated: 2026-02-03. Review status: criteria provided, single submitter. Criteria: Invitae Variant Classification Sherloc (09022015). Collection method: clinical testing. Allele origin: germline.

ARUP Laboratories, Molecular Genetics and Genomics, ARUP Laboratories
Classification: Likely benign. Last evaluated: 2025-07-18. Review status: criteria provided, single submitter. Criteria: ARUP Molecular Germline Variant Investigation Process 2024. Collection method: clinical testing. Allele origin: germline.

Blueprint Genetics
Classification: Likely benign. Last evaluated: 2024-11-26. Review status: criteria provided, single submitter. Criteria: ACMG Guidelines, 2015. Collection method: clinical testing. Allele origin: germline.

Revvity Omics, Revvity
Classification: Uncertain significance. Last evaluated: 2023-06-28. Review status: criteria provided, single submitter. Criteria: ACMG Guidelines, 2015. Collection method: clinical testing. Allele origin: germline.

CeGaT Center for Human Genetics Tuebingen
Classification: Benign. Last evaluated: 2022-06-01. Review status: criteria provided, single submitter. Criteria: CeGaT Center For Human Genetics Tuebingen Variant Classification Criteria Version 2. Collection method: clinical testing. Allele origin: germline. Affected: yes. Observed: 2 variant alleles.
Comment: TERT: PP2, BP4, BS1, BS2

Laboratory for Molecular Medicine, Mass General Brigham Personalized Medicine
Classification: Uncertain significance. Last evaluated: 2020-03-04. Review status: criteria provided, single submitter. Criteria: LMM Criteria. Collection method: clinical testing. Allele origin: germline. Observed: 10 variant alleles.
Comment: Variant classified as Uncertain Risk Allele. TERT c.3184G>A (p.Ala1062Thr) has been associated with increased risk for acute myeloid leukemia. This variant has been observed in multiple ethnic backgrounds with highest frequencies in individuals of non-Finnish European ancestry (2.1%, Genome Aggregation Database (gnomAD); rs35719940) and is present in ClinVar (ID: 39121). Several small studies implicate this variant is associated with a number of different hematological and pulmonary conditions including pulmonary fibrosis (Tsakiri 2007, Alder 2008), AML (Calado 2009, Aref 2014), DL-BCL and CLL (Hills 2009) and cirrhosis (Calado 2011). Functional studies from all but one group (Calado 2011) suggest that that this variant does not have a significant impact on telomerase activity (Alder 2008, Gramatges 2013, Zaug 2013, Zhang 2014, Hoffman 2017). In summary, it is uncertain if this variant is a risk factor for TERT-related conditions.

GeneDx
Classification: Benign. Last evaluated: 2019-01-14. Review status: criteria provided, single submitter. Criteria: GeneDx Variant Classification Process June 2021. Collection method: clinical testing. Allele origin: germline. Affected: yes.
Comment: This variant is associated with the following publications: (PMID: 17460043, 22476886, 23538340, 23901009, 19147845, 18753630, 21520173, 25108601, 23716176, 27153395, 28813500, 28154186, 22093366, 15814878, 19796246, 24983628)

Institute of Human Genetics, University of Leipzig Medical Center
Classification: Likely benign for Breast carcinoma. Last evaluated: 2019-01-01. Review status: criteria provided, single submitter. Criteria: ACMG Guidelines, 2015. Collection method: clinical testing. Allele origin: unknown. Affected: yes.

Mayo Clinic Laboratories, Mayo Clinic
Classification: Benign. Last evaluated: 2018-12-19. Review status: criteria provided, single submitter. Criteria: ACMG Guidelines, 2015. Collection method: clinical testing. Allele origin: germline. Observed: 31 variant alleles.

Illumina Laboratory Services, Illumina
Classification: Likely benign for Aplastic anemia. Last evaluated: 2017-04-27. Review status: criteria provided, single submitter. Criteria: ICSL Variant Classification Criteria 13 December 2019. Collection method: clinical testing. Allele origin: germline.
Comment: This variant was observed as part of a predisposition screen in an ostensibly healthy population. A literature search was performed for the gene, cDNA change, and amino acid change (where applicable). Publications were found based on this search. The evidence from the literature, in combination with allele frequency data from public databases where available, was sufficient to determine this variant is unlikely to cause disease. Therefore, this variant is classified as likely benign.

Illumina Laboratory Services, Illumina
Classification: Likely benign for Pulmonary fibrosis and/or bone marrow failure, Telomere-related, 1. Last evaluated: 2017-04-27. Review status: criteria provided, single submitter. Criteria: ICSL Variant Classification Criteria 13 December 2019. Collection method: clinical testing. Allele origin: germline.
Comment: the same text as in the submission from Illumina Laboratory Services, Illumina above.

Illumina Laboratory Services, Illumina
Classification: Likely benign for Dyskeratosis congenita, autosomal dominant 2. Last evaluated: 2017-04-27. Review status: criteria provided, single submitter. Criteria: ICSL Variant Classification Criteria 13 December 2019. Collection method: clinical testing. Allele origin: germline.
Comment: the same text as in the submission from Illumina Laboratory Services, Illumina above.

Eurofins Ntd Llc (ga)
Classification: Benign. Last evaluated: 2016-10-26. Review status: criteria provided, single submitter. Criteria: EGL Classification Definitions 2015. Collection method: clinical testing. Allele origin: germline. Observed: 1 variant allele, 1 heterozygote.

Ambry Genetics
Classification: Benign for Dyskeratosis congenita. Last evaluated: 2016-10-24. Review status: criteria provided, single submitter. Criteria: Ambry Variant Classification Scheme 2023. Collection method: clinical testing. Allele origin: germline.

PreventionGenetics, part of Exact Sciences
Classification: Likely benign. Review status: criteria provided, single submitter. Criteria: ACMG Guidelines, 2015. Collection method: clinical testing. Allele origin: germline.

OMIM
Classification: risk factor for LEUKEMIA, ACUTE MYELOID, SUSCEPTIBILITY TO. Last evaluated: 2009-01-27. Review status: no assertion criteria provided. Collection method: literature only. Allele origin: germline. Not counted in ClinVar's aggregate classification.

Clinical Genetics DNA and cytogenetics Diagnostics Lab, Erasmus MC, Erasmus Medical Center
Classification: Benign. Review status: no assertion criteria provided. Collection method: clinical testing. Allele origin: germline. Affected: yes. Study: VKGL Data-share Consensus. Not counted in ClinVar's aggregate classification.

GeneReviews
No classification provided. Condition: Aplastic anemia. Review status: no classification provided. Collection method: literature only. Allele origin: unknown. Not counted in ClinVar's aggregate classification.

Genome Diagnostics Laboratory, Amsterdam University Medical Center
Classification: Benign. Review status: no assertion criteria provided. Collection method: clinical testing. Allele origin: germline. Affected: yes. Study: VKGL Data-share Consensus. Not counted in ClinVar's aggregate classification.

Genome Diagnostics Laboratory, University Medical Center Utrecht
Classification: Benign. Review status: no assertion criteria provided. Collection method: clinical testing. Allele origin: germline. Affected: yes. Study: VKGL Data-share Consensus. Not counted in ClinVar's aggregate classification.

Joint Genome Diagnostic Labs from Nijmegen and Maastricht, Radboudumc and MUMC+
Classification: Benign. Review status: no assertion criteria provided. Collection method: clinical testing. Allele origin: germline. Affected: yes. Study: VKGL Data-share Consensus. Not counted in ClinVar's aggregate classification.

Laboratory of Diagnostic Genome Analysis, Leiden University Medical Center (LUMC)
Classification: Likely benign. Review status: no assertion criteria provided. Collection method: clinical testing. Allele origin: germline. Affected: yes. Study: VKGL Data-share Consensus. Not counted in ClinVar's aggregate classification.

Literature cited by the submitters: PubMed 21520173 (cited by Laboratory for Molecular Medicine, Mass General Brigham Personalized Medicine and Illumina Laboratory Services, Illumina); PubMed 19147845 (cited by 3 submitters); PubMed 18753630 (cited by Laboratory for Molecular Medicine, Mass General Brigham Personalized Medicine and Illumina Laboratory Services, Illumina); PubMed 23538340 (cited by Laboratory for Molecular Medicine, Mass General Brigham Personalized Medicine); PubMed 19796246 (cited by Laboratory for Molecular Medicine, Mass General Brigham Personalized Medicine); PubMed 15814878 (cited by Laboratory for Molecular Medicine, Mass General Brigham Personalized Medicine and Illumina Laboratory Services, Illumina); PubMed 23901009 (cited by Laboratory for Molecular Medicine, Mass General Brigham Personalized Medicine); PubMed 25108601 (cited by Laboratory for Molecular Medicine, Mass General Brigham Personalized Medicine and Illumina Laboratory Services, Illumina); PubMed 17460043 (cited by Laboratory for Molecular Medicine, Mass General Brigham Personalized Medicine); PubMed 24983628 (cited by Laboratory for Molecular Medicine, Mass General Brigham Personalized Medicine); PubMed 28154186 (cited by Laboratory for Molecular Medicine, Mass General Brigham Personalized Medicine); PubMed 19760749 (cited by Illumina Laboratory Services, Illumina); PubMed 22476886 (cited by Illumina Laboratory Services, Illumina); PubMed 20966039 (cited by Illumina Laboratory Services, Illumina); PubMed 18931339 (cited by Illumina Laboratory Services, Illumina); PubMed 21635204 (cited by Illumina Laboratory Services, Illumina); PubMed 20301779 (cited by GeneReviews); NCBI Bookshelf NBK22301 (cited by GeneReviews).

NM_198253.3(TERT):c.3184G>A (p.Ala1062Thr)

Gene: TERT (telomerase reverse transcriptase; minus strand). Cytogenetic location: 5p15.33.
Variant type: single nucleotide variant.
Coding change: c.3184G>A on transcript NM_198253.3 (MANE Select); coding-DNA position 3184, G replaced by A.
Protein change: p.Ala1062Thr; replaces alanine 1062 with threonine.
Molecular consequence: missense variant. On other transcripts: non-coding transcript variant (2).
Genome position (GRCh38, 1-based): chr5:1,254,479, C>T on the plus strand (G>A on the coding strand, the complement: TERT is on the minus strand). VCF-style: chr5-1254479-C-T. GRCh37 (hg19) VCF-style: chr5-1254594-C-T.
Other names: c.2995G>A, p.Ala999Thr (NM_001193376.3); short protein forms A1062T, A999T.
Identifiers: ClinVar variation 39121 (VCV000039121.68), dbSNP rs35719940, ClinGen allele CA129990.